The following is an entry in ClinVar:

ClinVar aggregate classification (germline): Uncertain significance (1 of 4 stars; one submission).

Conditions:
Ellis-van Creveld syndrome (EVC). Also called: Chondroectodermal dysplasia; EVC-Related Ellis-van Creveld Syndrome; EVC2-Related Ellis-van Creveld Syndrome; MESOECTODERMAL DYSPLASIA. Identifiers: Orphanet 289, MedGen C0013903, MONDO:0009162, OMIM 225500.
Curry-Hall syndrome (WAD). Also called: WEYERS ACRODENTAL DYSOSTOSIS. Identifiers: Orphanet 952, MedGen C0457013, MONDO:0008673, OMIM 193530.

gnomAD v4.1: 1 of 1,614,112 alleles (0.000062%); highest among the groups gnomAD compares: Non-Finnish European, 0.000085%; no homozygotes.

Submission:

Labcorp Genetics (formerly Invitae), Labcorp
Classification: Uncertain significance for Curry-Hall syndrome; Ellis-van Creveld syndrome. Last evaluated: 2024-04-10. Review status: criteria provided, single submitter. Criteria: Invitae Variant Classification Sherloc (09022015). Collection method: clinical testing. Allele origin: germline.
Comment: This sequence change replaces alanine, which is neutral and non-polar, with serine, which is neutral and polar, at codon 784 of the EVC protein (p.Ala784Ser). This variant is not present in population databases (gnomAD no frequency). This variant has not been reported in the literature in individuals affected with EVC-related conditions. ClinVar contains an entry for this variant (Variation ID: 1498286). Advanced modeling of protein sequence and biophysical properties (such as structural, functional, and spatial information, amino acid conservation, physicochemical variation, residue mobility, and thermodynamic stability) performed at Invitae indicates that this missense variant is not expected to disrupt EVC protein function with a negative predictive value of 80%. In summary, the available evidence is currently insufficient to determine the role of this variant in disease. Therefore, it has been classified as a Variant of Uncertain Significance.

NM_153717.3(EVC):c.2350G>T (p.Ala784Ser)

Gene: EVC (EvC ciliary complex subunit 1; plus strand). Cytogenetic location: 4p16.2.
Variant type: single nucleotide variant.
Coding change: c.2350G>T on transcript NM_153717.3 (MANE Select); coding-DNA position 2350, G replaced by T.
Protein change: p.Ala784Ser; replaces alanine 784 with serine.
Molecular consequence: missense variant.
Genome position (GRCh38, 1-based): chr4:5,801,995, G>T. VCF-style: chr4-5801995-G-T. GRCh37 (hg19) VCF-style: chr4-5803722-G-T.
Other names: c.2350G>T, p.Ala784Ser (NM_001306090.2); short protein forms A784S.
Identifiers: ClinVar variation 1498286 (VCV001498286.6), dbSNP rs149537641, ClinGen allele CA356146631.
Genomic context (GRCh38, chr4:5,801,995, plus strand): 5'-CCTTTCTTCCCTCAGAGGACACTGATGGAGGCGGCAGTGGAGAGCGTCTACGTGACCAGC[G>T]CTGGTGTCAGCCGCCTGGTGCAGGCGTATTACCAGCAAATCGGAAGGATCATGGAGGACC-3'
Protein context (NP_714928.1, residues 774-794): AAVESVYVTS[Ala784Ser]GVSRLVQAYY